The following is an entry in ClinVar:

ClinVar aggregate classification (germline): Pathogenic (1 of 4 stars; one submission).

Conditions:
Hereditary cancer-predisposing syndrome. Also called: Tumor predisposition; Hereditary Cancer Syndrome; Hereditary neoplastic syndrome; Neoplastic Syndromes, Hereditary. Identifiers: Orphanet 140162, MedGen C0027672, MeSH D009386, MONDO:0015356.

Submission:

Ambry Genetics
Classification: Pathogenic for Hereditary cancer-predisposing syndrome. Last evaluated: 2016-05-24. Review status: criteria provided, single submitter. Criteria: Ambry Variant Classification Scheme 2023. Collection method: clinical testing. Allele origin: germline.
Comment: The p.Q91* pathogenic mutation (also known as c.271C>T), located in coding exon 3 of the BMPR1A gene, results from a C to T substitution at nucleotide position 271. This changes the amino acid from a glutamine to a stop codon within coding exon 3. Since premature stop codons are typically deleterious in nature, this alteration is interpreted as a disease-causing mutation (ACMG Recommendations for Standards for Interpretation and Reporting of Sequence Variations. Revision 2007. Genet Med. 2008;10:294).

NM_004329.3(BMPR1A):c.271C>T (p.Gln91Ter)

Gene: BMPR1A (bone morphogenetic protein receptor type 1A; plus strand). Cytogenetic location: 10q23.2.
Variant type: single nucleotide variant.
Coding change: c.271C>T on transcript NM_004329.3 (MANE Select); coding-DNA position 271, C replaced by T.
Protein change: p.Gln91Ter; replaces glutamine 91 with a stop codon.
Molecular consequence: nonsense.
Genome position (GRCh38, 1-based): chr10:86,892,167, C>T. VCF-style: chr10-86892167-C-T. GRCh37 (hg19) VCF-style: chr10-88651924-C-T.
Other names: short protein forms Q91*.
Identifiers: ClinVar variation 486808 (VCV000486808.5), dbSNP rs878854667, ClinGen allele CA377448082.